The following is an entry in ClinVar:

ClinVar aggregate classification (germline): Uncertain significance (1 of 4 stars; one submission).

Allele frequency attached by ClinVar (database versions not stated): ExAC 0.00002.
gnomAD v4.1: 25 of 1,614,116 alleles (0.0015%); highest among the groups gnomAD compares: Middle Eastern, 0.017%; no homozygotes.

Submission:

GeneDx
Classification: Uncertain significance. Last evaluated: 2019-11-21. Review status: criteria provided, single submitter. Criteria: GeneDx Variant Classification Process June 2021. Collection method: clinical testing. Allele origin: germline. Affected: yes.
Comment: Not observed at a significant frequency in large population cohorts (Lek et al., 2016); In silico analysis, which includes protein predictors and evolutionary conservation, supports that this variant does not alter protein structure/function; Has not been previously published as pathogenic or benign to our knowledge

NM_001206999.2(CIT):c.4666G>A (p.Ala1556Thr)

Gene: CIT (citron rho-interacting serine/threonine kinase; minus strand). Cytogenetic location: 12q24.23.
Variant type: single nucleotide variant.
Coding change: c.4666G>A on transcript NM_001206999.2 (MANE Select); coding-DNA position 4666, G replaced by A.
Protein change: p.Ala1556Thr; replaces alanine 1556 with threonine.
Molecular consequence: missense variant.
Genome position (GRCh38, 1-based): chr12:119,712,609, C>T on the plus strand (G>A on the coding strand, the complement: CIT is on the minus strand). VCF-style: chr12-119712609-C-T. GRCh37 (hg19) VCF-style: chr12-120150414-C-T.
Other names: c.4540G>A, p.Ala1514Thr (NM_007174.3); short protein forms A1514T, A1556T.
Identifiers: ClinVar variation 1310423 (VCV001310423.2), dbSNP rs751322516, ClinGen allele CA6821153.